The following is an entry in ClinVar:

NM_001035.3(RYR2):c.5350C>G (p.Leu1784Val)

Gene: RYR2 (ryanodine receptor 2; plus strand). Cytogenetic location: 1q43.
Variant type: single nucleotide variant.
Coding change: c.5350C>G on transcript NM_001035.3 (MANE Select); coding-DNA position 5350, C replaced by G.
Protein change: p.Leu1784Val; replaces leucine 1784 with valine.
Molecular consequence: missense variant.
Genome position (GRCh38, 1-based): chr1:237,614,478, C>G. VCF-style: chr1-237614478-C-G. GRCh37 (hg19) VCF-style: chr1-237777778-C-G.
Other names: short protein forms L1784V.
Identifiers: ClinVar variation 3069798 (VCV003069798.1), dbSNP rs2546794434, ClinGen allele CA345404844.
Genomic context (GRCh38, chr1:237,614,478, plus strand): 5'-TCCTCCCCCAGTTTTGTAAGCATTAGTAATGAATGTTACCAGTACAGTCCAGAGTTCCCA[C>G]TGGACATCCTCAAGTCCAAAACCATACAGATGCTGACAGAAGCTGTTAAAGAGGGCAGTC-3'
Protein context (NP_001026.2, residues 1774-1794): ECYQYSPEFP[Leu1784Val]DILKSKTIQM

ClinVar aggregate classification (germline): Uncertain significance (1 of 4 stars; one submission).

Conditions:
Catecholaminergic polymorphic ventricular tachycardia (CVPT). Also called: Catecholamine-induced polymorphic ventricular tachycardia. Identifiers: Orphanet 3286, MedGen C5574922, MONDO:0017990.

Submission:

All of Us Research Program, National Institutes of Health
Classification: Uncertain significance for Catecholaminergic polymorphic ventricular tachycardia. Last evaluated: 2023-03-09. Review status: criteria provided, single submitter. Criteria: ACMG Guidelines, 2015. Collection method: clinical testing. Allele origin: germline. Inheritance: Autosomal dominant inheritance. Observed: 2 variant alleles, 2 heterozygotes.
Comment: This missense variant replaces leucine with valine at codon 1784 of the RYR2 protein. Computational prediction is inconclusive regarding the impact of this variant on protein structure and function (internally defined REVEL score threshold 0.5 < inconclusive < 0.7, PMID: 27666373). To our knowledge, functional studies have not been reported for this variant. This variant has not been reported in individuals affected with RYR2-related disorders in the literature. This variant has not been identified in the general population by the Genome Aggregation Database (gnomAD). The available evidence is insufficient to determine the role of this variant in disease conclusively. Therefore, this variant is classified as a Variant of Uncertain Significance.

This study involves interpretation of variants in research participants for the purpose of population health screening. Participant phenotype was not available at the time of variant classification. Additional details can be found in publication PMID: 35346344, PMCID: PMC8962531